The following is an entry in ClinVar:

NM_003322.6(TULP1):c.520C>T (p.Pro174Ser)

Gene: TULP1 (TUB like protein 1; minus strand). Cytogenetic location: 6p21.31.
Variant type: single nucleotide variant.
Coding change: c.520C>T on transcript NM_003322.6 (MANE Select); coding-DNA position 520, C replaced by T.
Protein change: p.Pro174Ser; replaces proline 174 with serine.
Molecular consequence: missense variant.
Genome position (GRCh38, 1-based): chr6:35,509,908, G>A on the plus strand (C>T on the coding strand, the complement: TULP1 is on the minus strand). VCF-style: chr6-35509908-G-A. GRCh37 (hg19) VCF-style: chr6-35477685-G-A.
Other names: c.361C>T, p.Pro121Ser (NM_001289395.2); c.520C>T (NM_003322.3); short protein forms P121S, P174S.
Identifiers: ClinVar variation 1360485 (VCV001360485.8), dbSNP rs144758785, ClinGen allele CA137291310.
Genomic context (GRCh38, chr6:35,509,908, plus strand): 5'-TCTTGGTCCCCTCCCCTGCTGGAGCTTCCTTATTCCTAACACGCAGAGGTTTCGGTGGGG[G>A]GTCAGGGCTTCCCAGGTCTCCTGGAAATGGAAGATGGGGGTCAGGCAAAGAAGGTGTCTA-3'
Protein context (NP_003313.3, residues 164-184): GPRGDLGSPD[Pro174Ser]PPKPLRVRNK

ClinVar aggregate classification (germline): Uncertain significance. Review status: criteria provided, multiple submitters, no conflicts (2 of 4 stars). 3 submissions from 3 submitters: Uncertain significance (3). Last evaluated 2025-12-15.

Conditions:
Inborn genetic diseases. Identifiers: MedGen C0950123, MeSH D030342.

Allele frequency attached by ClinVar (database versions not stated): gnomAD exomes below 0.00001; ESP Exome Variant Server 0.00008.

Submissions (3):

Ambry Genetics
Classification: Uncertain significance for Inborn genetic diseases. Last evaluated: 2025-12-15. Review status: criteria provided, single submitter. Criteria: Ambry Variant Classification Scheme 2023. Collection method: clinical testing. Allele origin: germline.

Labcorp Genetics (formerly Invitae), Labcorp
Classification: Uncertain significance. Last evaluated: 2024-11-05. Review status: criteria provided, single submitter. Criteria: Invitae Variant Classification Sherloc (09022015). Collection method: clinical testing. Allele origin: germline.
Comment: This sequence change replaces proline, which is neutral and non-polar, with serine, which is neutral and polar, at codon 174 of the TULP1 protein (p.Pro174Ser). This variant is not present in population databases (gnomAD no frequency). This variant has not been reported in the literature in individuals affected with TULP1-related conditions. ClinVar contains an entry for this variant (Variation ID: 1360485). An algorithm developed to predict the effect of missense changes on protein structure and function outputs the following: PolyPhen-2: "Benign". The serine amino acid residue is found in multiple mammalian species, which suggests that this missense change does not adversely affect protein function. In summary, the available evidence is currently insufficient to determine the role of this variant in disease. Therefore, it has been classified as a Variant of Uncertain Significance.

Blueprint Genetics
Classification: Uncertain significance. Last evaluated: 2019-10-19. Review status: criteria provided, single submitter. Criteria: ACMG Guidelines, 2015. Collection method: clinical testing. Allele origin: germline.